The following is an entry in ClinVar:

ClinVar aggregate classification (germline): Uncertain significance. Review status: criteria provided, multiple submitters, no conflicts (2 of 4 stars). 4 submissions from 4 submitters: Uncertain significance (4). Last evaluated 2025-05-21.

Conditions:
Malignant hyperthermia, susceptibility to, 1 (MHS1). Also called: Malignant hyperthermia suceptibility 1; Anesthesia related hyperthermia; Malignant hyperpyrexia; Fulminating hyperpyrexia; Pharmacogenic myopathy; RYR1-Related Malignant Hyperthermia Susceptibility. Identifiers: Orphanet 423, MedGen C2930980, MONDO:0007783, OMIM 145600.
RYR1-related disorder. Also called: RYR1-related condition; RYR1-related disorders. Identifiers: MedGen CN239331.
Inborn genetic diseases. Identifiers: MedGen C0950123, MeSH D030342.

Allele frequency attached by ClinVar (database versions not stated): TOPMed below 0.00001; gnomAD exomes 0.00001; ExAC 0.00002; gnomAD 0.00003.
gnomAD v4.1: 16 of 1,614,008 alleles (0.00099%); highest among the groups gnomAD compares: East Asian, 0.0022%; no homozygotes.

Submissions (4):

Ambry Genetics
Classification: Uncertain significance for Inborn genetic diseases. Last evaluated: 2025-05-21. Review status: criteria provided, single submitter. Criteria: Ambry Variant Classification Scheme 2023. Collection method: clinical testing. Allele origin: germline.

All of Us Research Program, National Institutes of Health
Classification: Uncertain significance for Malignant hyperthermia, susceptibility to, 1. Last evaluated: 2024-09-23. Review status: criteria provided, single submitter. Criteria: ACMG Guidelines, 2015. Collection method: clinical testing. Allele origin: germline. Inheritance: Autosomal dominant inheritance. Observed: 5 variant alleles, 5 heterozygotes.
Comment: This missense variant replaces glutamic acid with lysine at codon 3331 of the RYR1 protein. Computational prediction suggests that this variant may have deleterious impact on protein structure and function (internally defined REVEL score threshold >= 0.7, PMID: 27666373). To our knowledge, functional studies have not been reported for this variant. This variant has not been reported in individuals affected with RYR1-related disorders in the literature. This variant has been identified in 6/280254 chromosomes in the general population by the Genome Aggregation Database (gnomAD). The available evidence is insufficient to determine the role of this variant in disease conclusively. Therefore, this variant is classified as a Variant of Uncertain Significance.

This study involves interpretation of variants in research participants for the purpose of population health screening. Participant phenotype was not available at the time of variant classification. Additional details can be found in publication PMID: 35346344, PMCID: PMC8962531

Labcorp Genetics (formerly Invitae), Labcorp
Classification: Uncertain significance for RYR1-related disorder. Last evaluated: 2024-07-19. Review status: criteria provided, single submitter. Criteria: Invitae Variant Classification Sherloc (09022015). Collection method: clinical testing. Allele origin: germline.
Comment: This sequence change replaces glutamic acid, which is acidic and polar, with lysine, which is basic and polar, at codon 3331 of the RYR1 protein (p.Glu3331Lys). This variant is present in population databases (rs754426488, gnomAD 0.01%). This variant has not been reported in the literature in individuals affected with RYR1-related conditions. ClinVar contains an entry for this variant (Variation ID: 1003764). Advanced modeling of protein sequence and biophysical properties (such as structural, functional, and spatial information, amino acid conservation, physicochemical variation, residue mobility, and thermodynamic stability) has been performed at Invitae for this missense variant, however the output from this modeling did not meet the statistical confidence thresholds required to predict the impact of this variant on RYR1 protein function. In summary, the available evidence is currently insufficient to determine the role of this variant in disease. Therefore, it has been classified as a Variant of Uncertain Significance.

CeGaT Center for Human Genetics Tuebingen
Classification: Uncertain significance. Last evaluated: 2023-10-01. Review status: criteria provided, single submitter. Criteria: CeGaT Center For Human Genetics Tuebingen Variant Classification Criteria Version 2. Collection method: clinical testing. Allele origin: germline. Affected: yes. Observed: 1 variant allele.
Comment: RYR1: PM2, PP3

NM_000540.3(RYR1):c.9991G>A (p.Glu3331Lys)

Gene: RYR1 (ryanodine receptor 1; plus strand). Cytogenetic location: 19q13.2.
Variant type: single nucleotide variant.
Coding change: c.9991G>A on transcript NM_000540.3 (MANE Select); coding-DNA position 9991, G replaced by A.
Protein change: p.Glu3331Lys; replaces glutamic acid 3331 with lysine.
Molecular consequence: missense variant.
Genome position (GRCh38, 1-based): chr19:38,517,664, G>A. VCF-style: chr19-38517664-G-A. GRCh37 (hg19) VCF-style: chr19-39008304-G-A.
Other names: c.9991G>A, p.Glu3331Lys (NM_001042723.2); c.9991G>A (NM_000540.2); short protein forms E3331K.
Identifiers: ClinVar variation 1003764 (VCV001003764.37), dbSNP rs754426488, ClinGen allele CA074378.